The following is an entry in ClinVar:

NM_031407.7(HUWE1):c.5826C>G (p.Ile1942Met)

Gene: HUWE1 (HECT, UBA and WWE domain containing E3 ubiquitin protein ligase 1; minus strand). Cytogenetic location: Xp11.22.
Variant type: single nucleotide variant.
Coding change: c.5826C>G on transcript NM_031407.7 (MANE Select); coding-DNA position 5826, C replaced by G.
Protein change: p.Ile1942Met; replaces isoleucine 1942 with methionine.
Molecular consequence: missense variant.
Genome position (GRCh38, 1-based): chrX:53,576,958, G>C on the plus strand (C>G on the coding strand, the complement: HUWE1 is on the minus strand). VCF-style: chrX-53576958-G-C. GRCh37 (hg19) VCF-style: chrX-53603918-G-C.
Other names: short protein forms I1942M.
Identifiers: ClinVar variation 1969390 (VCV001969390.5), dbSNP rs2524887718, ClinGen allele CA413172093.
Genomic context (GRCh38, chrX:53,576,958, plus strand): 5'-ACCTTCCTCTGGAGCATGGTATGCAGCCAGAGCATTCAGCATATCATAGATCACTTCCTT[G>C]ATAGTATCAGGGATGACAGGCAGAGGTGAGGGCTTCAAAGGGGTGGTCTTCACCAGCTGT-3'
Protein context (NP_113584.3, residues 1932-1952): PSPLPVIPDT[Ile1942Met]KEVIYDMLNA

ClinVar aggregate classification (germline): Uncertain significance (1 of 4 stars; one submission).

Submission:

Labcorp Genetics (formerly Invitae), Labcorp
Classification: Uncertain significance. Last evaluated: 2024-09-05. Review status: criteria provided, single submitter. Criteria: Invitae Variant Classification Sherloc (09022015). Collection method: clinical testing. Allele origin: germline.
Comment: This sequence change replaces isoleucine, which is neutral and non-polar, with methionine, which is neutral and non-polar, at codon 1942 of the HUWE1 protein (p.Ile1942Met). This variant is not present in population databases (gnomAD no frequency). This variant has not been reported in the literature in individuals affected with HUWE1-related conditions. ClinVar contains an entry for this variant (Variation ID: 1969390). Invitae Evidence Modeling of protein sequence and biophysical properties (such as structural, functional, and spatial information, amino acid conservation, physicochemical variation, residue mobility, and thermodynamic stability) has been performed for this missense variant. However, the output from this modeling did not meet the statistical confidence thresholds required to predict the impact of this variant on HUWE1 protein function. In summary, the available evidence is currently insufficient to determine the role of this variant in disease. Therefore, it has been classified as a Variant of Uncertain Significance.